The following is an entry in ClinVar:

NM_001145809.2(MYH14):c.5034G>C (p.Lys1678Asn)

Gene: MYH14 (myosin heavy chain 14; plus strand). Cytogenetic location: 19q13.33.
Variant type: single nucleotide variant.
Coding change: c.5034G>C on transcript NM_001145809.2 (MANE Select); coding-DNA position 5034, G replaced by C.
Protein change: p.Lys1678Asn; replaces lysine 1678 with asparagine.
Molecular consequence: missense variant.
Genome position (GRCh38, 1-based): chr19:50,290,955, G>C. VCF-style: chr19-50290955-G-C. GRCh37 (hg19) VCF-style: chr19-50794212-G-C.
Other names: c.4935G>C, p.Lys1645Asn (NM_001077186.2); c.4911G>C, p.Lys1637Asn (NM_024729.4); short protein forms K1637N, K1645N, K1678N.
Identifiers: ClinVar variation 5009929 (VCV005009929.1).

ClinVar aggregate classification (germline): Uncertain significance (1 of 4 stars; one submission).

Submission:

GeneDx
Classification: Uncertain significance. Last evaluated: 2026-02-21. Review status: criteria provided, single submitter. Criteria: GeneDx Variant Classification Process June 2021. Collection method: clinical testing. Allele origin: germline.
Comment: Not observed at significant frequency in large population cohorts (gnomAD); In silico analysis supports that this missense variant has a deleterious effect on protein structure/function; Has not been previously published as pathogenic or benign to our knowledge